The following is an entry in ClinVar:

ClinVar aggregate classification (germline): Uncertain significance (1 of 4 stars; one submission).

Conditions:
Familial thoracic aortic aneurysm and aortic dissection (TAAD). Also called: Thoracic aortic aneurysms and dissections. Identifiers: Orphanet 91387, MedGen C4707243, MONDO:0019625.

Allele frequency attached by ClinVar (database versions not stated): gnomAD exomes below 0.00001; TOPMed 0.00001.

Submission:

All of Us Research Program, National Institutes of Health
Classification: Uncertain significance for Familial thoracic aortic aneurysm and aortic dissection. Last evaluated: 2023-11-30. Review status: criteria provided, single submitter. Criteria: ACMG Guidelines, 2015. Collection method: clinical testing. Allele origin: germline. Inheritance: Autosomal dominant inheritance. Observed: 2 variant alleles, 2 heterozygotes.
Comment: This missense variant replaces methionine with threonine at codon 141 of the MYH11 protein. Computational prediction suggests that this variant may have deleterious impact on protein structure and function (internally defined REVEL score threshold >= 0.7, PMID: 27666373). To our knowledge, functional studies have not been reported for this variant. This variant has not been reported in individuals affected with MYH11-related disorders in the literature. This variant has not been identified in the general population by the Genome Aggregation Database (gnomAD). The available evidence is insufficient to determine the role of this variant in disease conclusively. Therefore, this variant is classified as a Variant of Uncertain Significance.

This study involves interpretation of variants in research participants for the purpose of population health screening. Participant phenotype was not available at the time of variant classification. Additional details can be found in publication PMID: 35346344, PMCID: PMC8962531

NM_002474.3(MYH11):c.422T>C (p.Met141Thr)

Gene: MYH11 (myosin heavy chain 11; minus strand). Cytogenetic location: 16p13.11.
Variant type: single nucleotide variant.
Coding change: c.422T>C on transcript NM_002474.3 (MANE Select); coding-DNA position 422, T replaced by C.
Protein change: p.Met141Thr; replaces methionine 141 with threonine.
Molecular consequence: missense variant.
Genome position (GRCh38, 1-based): chr16:15,823,335, A>G on the plus strand (T>C on the coding strand, the complement: MYH11 is on the minus strand). VCF-style: chr16-15823335-A-G. GRCh37 (hg19) VCF-style: chr16-15917192-A-G.
Other names: c.422T>C, p.Met141Thr (NM_001040113.2, NM_001040114.2, NM_022844.3); short protein forms M141T.
Identifiers: ClinVar variation 3072672 (VCV003072672.1), dbSNP rs1299642364, ClinGen allele CA394882443.